The following is an entry in ClinVar:

ClinVar aggregate classification (germline): Uncertain significance (1 of 4 stars; one submission).

Allele frequency attached by ClinVar (database versions not stated): gnomAD exomes 0.00001; TOPMed 0.00002.
gnomAD v4.1: 9 of 1,612,944 alleles (0.00056%); highest among the groups gnomAD compares: Admixed American, 0.012%; no homozygotes.

Submission:

Labcorp Genetics (formerly Invitae), Labcorp
Classification: Uncertain significance. Last evaluated: 2025-11-13. Review status: criteria provided, single submitter. Criteria: Invitae Variant Classification Sherloc (09022015). Collection method: clinical testing. Allele origin: germline.
Comment: This sequence change falls in intron 3 of the TNNI3K gene. It does not directly change the encoded amino acid sequence of the TNNI3K protein. It affects a nucleotide within the consensus splice site. This variant is present in population databases (rs750425525, gnomAD 0.01%). This variant has not been reported in the literature in individuals affected with TNNI3K-related conditions. ClinVar contains an entry for this variant (Variation ID: 2986293). Variants that disrupt the consensus splice site are a relatively common cause of aberrant splicing (PMID: 17576681, 9536098). Algorithms developed to predict the effect of sequence changes on RNA splicing suggest that this variant may disrupt the consensus splice site. In summary, the available evidence is currently insufficient to determine the role of this variant in disease. Therefore, it has been classified as a Variant of Uncertain Significance.

Literature cited by the submitters: PubMed 17576681; PubMed 9536098.

NM_015978.3(TNNI3K):c.235+5G>A

Genes: FPGT-TNNI3K (FPGT-TNNI3K readthrough; plus strand), TNNI3K (TNNI3 interacting kinase; plus strand). Cytogenetic location: 1p31.1.
Variant type: single nucleotide variant.
Coding change: c.235+5G>A on transcript NM_015978.3 (MANE Select); 5 bases into the intron after coding-DNA position 235, G replaced by A.
Molecular consequence: intron variant.
Genome position (GRCh38, 1-based): chr1:74,249,549, G>A. VCF-style: chr1-74249549-G-A. GRCh37 (hg19) VCF-style: chr1-74715233-G-A.
Other names: c.538+5G>A (NM_001112808.3, NM_001199327.2).
Identifiers: ClinVar variation 2986293 (VCV002986293.3), dbSNP rs750425525, ClinGen allele CA908811.